The following is an entry in ClinVar:

ClinVar aggregate classification (germline): Pathogenic (1 of 4 stars; one submission).

Conditions:
Hereditary breast ovarian cancer syndrome. Also called: Hereditary breast and ovarian cancer syndrome; Hereditary breast and ovarian cancer syndrome (HBOC); BRCA1- and BRCA2-Associated Hereditary Breast and Ovarian Cancer; Hereditary breast and/or ovarian cancer syndrome; Hereditary breast and ovarian cancer; Breast and ovarian cancer. Identifiers: Orphanet 145, MedGen C0677776, MeSH D061325, MONDO:0003582. Disease mechanism: loss of function.

Submission:

Labcorp Genetics (formerly Invitae), Labcorp
Classification: Pathogenic for Hereditary breast ovarian cancer syndrome. Last evaluated: 2022-02-10. Review status: criteria provided, single submitter. Criteria: Invitae Variant Classification Sherloc (09022015). Collection method: clinical testing. Allele origin: germline.
Comment: For these reasons, this variant has been classified as Pathogenic. ClinVar contains an entry for this variant (Variation ID: 579148). This premature translational stop signal has been observed in individual(s) with gastric cancer (PMID: 32426482). This variant is not present in population databases (gnomAD no frequency). This sequence change creates a premature translational stop signal (p.Leu1260*) in the BRCA2 gene. It is expected to result in an absent or disrupted protein product. Loss-of-function variants in BRCA2 are known to be pathogenic (PMID: 20104584).

Literature cited by the submitters: PubMed 32426482; PubMed 20104584.

NM_000059.4(BRCA2):c.3779T>A (p.Leu1260Ter)

Gene: BRCA2 (BRCA2 DNA repair associated; plus strand). Cytogenetic location: 13q13.1.
Variant type: single nucleotide variant.
Coding change: c.3779T>A on transcript NM_000059.4 (MANE Select); coding-DNA position 3779, T replaced by A.
Protein change: p.Leu1260Ter; replaces leucine 1260 with a stop codon.
Molecular consequence: nonsense.
Genome position (GRCh38, 1-based): chr13:32,338,134, T>A. VCF-style: chr13-32338134-T-A. GRCh37 (hg19) VCF-style: chr13-32912271-T-A.
Other names: short protein forms L1260*.
Identifiers: ClinVar variation 579148 (VCV000579148.9), dbSNP rs1555283397, ClinGen allele CA387778313.